The following is an entry in ClinVar:

NM_000435.3(NOTCH3):c.305C>T (p.Ala102Val)

Gene: NOTCH3 (notch receptor 3; minus strand). Cytogenetic location: 19p13.12.
Variant type: single nucleotide variant.
Coding change: c.305C>T on transcript NM_000435.3 (MANE Select); coding-DNA position 305, C replaced by T.
Protein change: p.Ala102Val; replaces alanine 102 with valine.
Molecular consequence: missense variant.
Genome position (GRCh38, 1-based): chr19:15,192,412, G>A on the plus strand (C>T on the coding strand, the complement: NOTCH3 is on the minus strand). VCF-style: chr19-15192412-G-A. GRCh37 (hg19) VCF-style: chr19-15303223-G-A.
Other names: short protein forms A102V.
Identifiers: ClinVar variation 804631 (VCV000804631.4), dbSNP rs1487780762, ClinGen allele CA404534844.

ClinVar aggregate classification (germline): Uncertain significance. Review status: criteria provided, multiple submitters, no conflicts (2 of 4 stars). 2 submissions from 2 submitters: Uncertain significance (2). Last evaluated 2022-04-12.

Allele frequency attached by ClinVar (database versions not stated): gnomAD exomes below 0.00001 and 0.00001; gnomAD 0.00001; TOPMed 0.00002.
gnomAD v4.1: 18 of 1,612,246 alleles (0.0011%); highest among the groups gnomAD compares: Admixed American, 0.0017%; no homozygotes.

Submissions (2):

Labcorp Genetics (formerly Invitae), Labcorp
Classification: Uncertain significance. Last evaluated: 2022-04-12. Review status: criteria provided, single submitter. Criteria: Invitae Variant Classification Sherloc (09022015). Collection method: clinical testing. Allele origin: germline.
Comment: This sequence change replaces alanine, which is neutral and non-polar, with valine, which is neutral and non-polar, at codon 102 of the NOTCH3 protein (p.Ala102Val). This variant is present in population databases (no rsID available, gnomAD 0.0009%). This variant has not been reported in the literature in individuals affected with NOTCH3-related conditions. ClinVar contains an entry for this variant (Variation ID: 804631). Advanced modeling of protein sequence and biophysical properties (such as structural, functional, and spatial information, amino acid conservation, physicochemical variation, residue mobility, and thermodynamic stability) performed at Invitae indicates that this missense variant is not expected to disrupt NOTCH3 protein function. In summary, the available evidence is currently insufficient to determine the role of this variant in disease. Therefore, it has been classified as a Variant of Uncertain Significance.

Athena Diagnostics
Classification: Uncertain significance. Last evaluated: 2019-07-11. Review status: criteria provided, single submitter. Criteria: Athena Diagnostics Criteria. Collection method: clinical testing. Allele origin: germline.